The following is an entry in ClinVar:

ClinVar aggregate classification (germline): Uncertain significance (1 of 4 stars; one submission).

Conditions:
Charcot-Marie-Tooth disease type 2. Also called: Charcot-Marie-Tooth type 2. Identifiers: Orphanet 64746, MedGen C0270914, MONDO:0018993.

Submission:

Labcorp Genetics (formerly Invitae), Labcorp
Classification: Uncertain significance for Charcot-Marie-Tooth disease type 2. Last evaluated: 2025-02-03. Review status: criteria provided, single submitter. Criteria: Invitae Variant Classification Sherloc (09022015). Collection method: clinical testing. Allele origin: germline.
Comment: This sequence change replaces asparagine, which is neutral and polar, with aspartic acid, which is acidic and polar, at codon 311 of the MFN2 protein (p.Asn311Asp). This variant is not present in population databases (gnomAD no frequency). This variant has not been reported in the literature in individuals affected with MFN2-related conditions. ClinVar contains an entry for this variant (Variation ID: 2826986). Invitae Evidence Modeling of protein sequence and biophysical properties (such as structural, functional, and spatial information, amino acid conservation, physicochemical variation, residue mobility, and thermodynamic stability) has been performed for this missense variant. However, the output from this modeling did not meet the statistical confidence thresholds required to predict the impact of this variant on MFN2 protein function. In summary, the available evidence is currently insufficient to determine the role of this variant in disease. Therefore, it has been classified as a Variant of Uncertain Significance.

NM_014874.4(MFN2):c.931A>G (p.Asn311Asp)

Gene: MFN2 (mitofusin 2; plus strand). Cytogenetic location: 1p36.22.
Variant type: single nucleotide variant.
Coding change: c.931A>G on transcript NM_014874.4 (MANE Select); coding-DNA position 931, A replaced by G.
Protein change: p.Asn311Asp; replaces asparagine 311 with aspartic acid.
Molecular consequence: missense variant.
Genome position (GRCh38, 1-based): chr1:12,001,515, A>G. VCF-style: chr1-12001515-A-G. GRCh37 (hg19) VCF-style: chr1-12061572-A-G.
Other names: c.931A>G, p.Asn311Asp (NM_001127660.2); short protein forms N311D.
Identifiers: ClinVar variation 2826986 (VCV002826986.3), dbSNP rs2523054695, ClinGen allele CA338441911.